The following is an entry in ClinVar:

ClinVar aggregate classification (germline): Pathogenic (1 of 4 stars; one submission).

Submission:

GeneDx
Classification: Pathogenic. Last evaluated: 2018-05-11. Review status: criteria provided, single submitter. Criteria: GeneDx Variant Classification (06012015). Collection method: clinical testing. Allele origin: germline. Affected: yes.
Comment: The C358X variant in the FBN1 gene has not been reported as a pathogenic or benign to our knowledge. This variant is predicted to cause loss of normal protein function either by protein truncation or nonsense-mediated mRNA decay. Other nonsense variants in the FBN1 gene have been reported in Human Gene Mutation Database in association with FBN1-related disorders (Stenson et al., 2014). Furthermore, the C358X variant is not observed in large population cohorts (Lek et al., 2016). In summary, C358X in the FBN1 gene is interpreted as a pathogenic variant.

NM_000138.5(FBN1):c.1074C>A (p.Cys358Ter)

Genes: FBN1 (fibrillin 1; minus strand), LOC113939944 (Sharpr-MPRA regulatory region 9539; plus strand). Cytogenetic location: 15q21.1.
Variant type: single nucleotide variant.
Coding change: c.1074C>A on transcript NM_000138.5 (MANE Select); coding-DNA position 1074, C replaced by A.
Protein change: p.Cys358Ter; replaces cysteine 358 with a stop codon.
Molecular consequence: nonsense.
Genome position (GRCh38, 1-based): chr15:48,520,732, G>T on the plus strand (C>A on the coding strand, the complement: FBN1 is on the minus strand). VCF-style: chr15-48520732-G-T. GRCh37 (hg19) VCF-style: chr15-48812929-G-T.
Other names: short protein forms C358*.
Identifiers: ClinVar variation 523911 (VCV000523911.2), dbSNP rs1555400605, ClinGen allele CA392347567.